The following is an entry in ClinVar:

ClinVar aggregate classification (germline): Uncertain significance (1 of 4 stars; one submission).

Conditions:
FLNC-related disorder. Also called: FLNC-related disorders; FLNC-related condition.

gnomAD v4.1: 3 of 1,614,060 alleles (0.00019%); highest among the groups gnomAD compares: Non-Finnish European, 0.00025%; no homozygotes.

Submission:

PreventionGenetics, part of Exact Sciences
Classification: Uncertain significance for FLNC-related condition. Last evaluated: 2025-02-13. Review status: criteria provided, single submitter. Criteria: ACMG Guidelines, 2015. Collection method: clinical testing. Allele origin: germline.
Comment: The FLNC c.3942G>A variant is not predicted to result in an amino acid change (p.=). This variant is predicted to alter splicing based on available splicing prediction programs (SpliceAI, Jaganathan et al. 2019. PubMed ID: 30661751). However, the use of computer prediction programs is not equivalent to functional evidence. To our knowledge, this variant has not been reported in the literature or in a large population database (gnomAD), indicating this variant is rare. At this time, the clinical significance of this variant is uncertain due to the absence of conclusive functional and genetic evidence.

NM_001458.5(FLNC):c.3942G>A (p.Val1314=)

Gene: FLNC (filamin C; plus strand). Cytogenetic location: 7q32.1.
Variant type: single nucleotide variant.
Coding change: c.3942G>A on transcript NM_001458.5 (MANE Select); coding-DNA position 3942, G replaced by A.
Protein change: p.Val1314=; no amino-acid change (valine 1314 retained).
Molecular consequence: synonymous variant.
Genome position (GRCh38, 1-based): chr7:128,846,141, G>A. VCF-style: chr7-128846141-G-A. GRCh37 (hg19) VCF-style: chr7-128486195-G-A.
Other names: c.3942G>A, p.Val1314= (NM_001127487.2).
Identifiers: ClinVar variation 5001029 (VCV005001029.1).